The following is an entry in ClinVar:

ClinVar aggregate classification (germline): Benign/Likely benign. Review status: criteria provided, multiple submitters, no conflicts (2 of 4 stars). 3 submissions from 3 submitters: Benign (1); Likely benign (2). Last evaluated 2019-01-24.

Conditions:
Hypermanganesemia with dystonia, polycythemia, and cirrhosis (HMNDYT1). Also called: Hepatic Cirrhosis, Dystonia, Polycythemia and Hypermanganesemia; Cirrhosis - dystonia - polycythemia - hypermanganesemia syndrome; Hypermanganesemia with Dystonia 1. Identifiers: Orphanet 309854, MedGen C2750442, MONDO:0013208, OMIM 613280.

Allele frequency attached by ClinVar (database versions not stated): gnomAD exomes 0.00040; 1000 Genomes Project 0.00419; 1000 Genomes Project 30x 0.00422; TOPMed 0.00435.
gnomAD v4.1: 1,123 of 1,317,174 alleles (0.085%); highest among the groups gnomAD compares: African/African-American, 1.5%; 5 homozygotes.

Submissions (3):

GeneDx
Classification: Likely benign. Last evaluated: 2019-01-24. Review status: criteria provided, single submitter. Criteria: GeneDx Variant Classification Process June 2021. Collection method: clinical testing. Allele origin: germline. Affected: yes.

Illumina Laboratory Services, Illumina
Classification: Benign for Hypermanganesemia with dystonia, polycythemia, and cirrhosis. Last evaluated: 2017-04-27. Review status: criteria provided, single submitter. Criteria: ICSL Variant Classification Criteria 13 December 2019. Collection method: clinical testing. Allele origin: germline.
Comment: This variant was observed as part of a predisposition screen in an ostensibly healthy population. A literature search was performed for the gene, cDNA change, and amino acid change (where applicable). No publications were found based on this search. Allele frequency data from public databases was too high to be consistent with this variant causing disease. Therefore, this variant is classified as benign.

Breakthrough Genomics
Classification: Likely benign. Review status: criteria provided, single submitter. Criteria: ACMG Guidelines, 2015. Collection method: not provided. Allele origin: germline. Inheritance: Autosomal recessive inheritance. Affected: yes.

NM_018713.3(SLC30A10):c.*115C>G

Gene: SLC30A10 (solute carrier family 30 member 10; minus strand). Cytogenetic location: 1q41.
Variant type: single nucleotide variant.
Coding change: c.*115C>G on transcript NM_018713.3 (MANE Select); 115 bases downstream of the stop codon, C replaced by G.
Molecular consequence: 3 prime UTR variant. On other transcripts: non-coding transcript variant (2).
Genome position (GRCh38, 1-based): chr1:219,915,334, G>C on the plus strand (C>G on the coding strand, the complement: SLC30A10 is on the minus strand). VCF-style: chr1-219915334-G-C. GRCh37 (hg19) VCF-style: chr1-220088676-G-C.
Other names: c.*115C>G (NM_001376929.1).
Identifiers: ClinVar variation 874880 (VCV000874880.8), dbSNP rs2231736, ClinGen allele CA37948189.